The following is an entry in ClinVar:

NM_004370.6(COL12A1):c.2422G>A (p.Ala808Thr)

Gene: COL12A1 (collagen type XII alpha 1 chain; minus strand). Cytogenetic location: 6q13.
Variant type: single nucleotide variant.
Coding change: c.2422G>A on transcript NM_004370.6 (MANE Select); coding-DNA position 2422, G replaced by A.
Protein change: p.Ala808Thr; replaces alanine 808 with threonine.
Molecular consequence: missense variant. On other transcripts: intron variant (1).
Genome position (GRCh38, 1-based): chr6:75,177,678, C>T on the plus strand (G>A on the coding strand, the complement: COL12A1 is on the minus strand). VCF-style: chr6-75177678-C-T. GRCh37 (hg19) VCF-style: chr6-75887394-C-T.
Other names: c.73+25042G>A (NM_080645.3); short protein forms A808T.
Identifiers: ClinVar variation 1362223 (VCV001362223.8), dbSNP rs772493333, ClinGen allele CA141024998.
Genomic context (GRCh38, chr6:75,177,678, plus strand): 5'-TCTAAGAGTTTGGTTGTCACCATATGATAAGCATATTTCCTCTACCTTCTTCAGTGGCTG[C>T]ATTTCCAGTTAATGGAGTACCAGGTCCTGAGAAATATTCAGGAATTACAGATACTTCATA-3'
Protein context (NP_004361.3, residues 798-818): SGPGTPLTGN[Ala808Thr]ATEEVRGNPR

ClinVar aggregate classification (germline): Uncertain significance (1 of 4 stars; one submission).

Conditions:
Ullrich congenital muscular dystrophy 2 (UCMD2). Identifiers: Orphanet 75840, MedGen C4225314, MONDO:0014654, OMIM 616470.
Bethlem myopathy 2 (BTHLM2). Identifiers: Orphanet 536516, Orphanet 610, MedGen C4225313, MONDO:0034022, OMIM 616471.

Allele frequency attached by ClinVar (database versions not stated): gnomAD 0.00001.
gnomAD v4.1: 5 of 1,613,976 alleles (0.00031%); highest among the groups gnomAD compares: African/African-American, 0.0027%; no homozygotes.

Submission:

Labcorp Genetics (formerly Invitae), Labcorp
Classification: Uncertain significance for Bethlem myopathy 2; Ullrich congenital muscular dystrophy 2. Last evaluated: 2022-03-18. Review status: criteria provided, single submitter. Criteria: Invitae Variant Classification Sherloc (09022015). Collection method: clinical testing. Allele origin: germline.
Comment: This sequence change replaces alanine, which is neutral and non-polar, with threonine, which is neutral and polar, at codon 808 of the COL12A1 protein (p.Ala808Thr). This variant is not present in population databases (gnomAD no frequency). This variant has not been reported in the literature in individuals affected with COL12A1-related conditions. Algorithms developed to predict the effect of missense changes on protein structure and function are either unavailable or do not agree on the potential impact of this missense change (SIFT: "Deleterious"; PolyPhen-2: "Possibly Damaging"; Align-GVGD: "Class C0"). In summary, the available evidence is currently insufficient to determine the role of this variant in disease. Therefore, it has been classified as a Variant of Uncertain Significance.